The following is an entry in ClinVar:

NM_001034853.2(RPGR):c.3266G>A (p.Ser1089Asn)

Gene: RPGR (retinitis pigmentosa GTPase regulator; minus strand). Cytogenetic location: Xp11.4.
Variant type: single nucleotide variant.
Coding change: c.3266G>A on transcript NM_001034853.2 (MANE Select); coding-DNA position 3266, G replaced by A.
Protein change: p.Ser1089Asn; replaces serine 1089 with asparagine.
Molecular consequence: missense variant. On other transcripts: intron variant (8).
Genome position (GRCh38, 1-based): chrX:38,285,733, C>T on the plus strand (G>A on the coding strand, the complement: RPGR is on the minus strand). VCF-style: chrX-38285733-C-T. GRCh37 (hg19) VCF-style: chrX-38144986-C-T.
Other names: c.1569+5226G>A (NM_001367249.1, NM_001367250.1); c.1902+1361G>A (NM_001367245.1); c.1386+5226G>A (NM_001367251.1); c.1719+1361G>A (NM_001367246.1); c.1572+5226G>A (NM_001367247.1); c.1905+1361G>A (NM_000328.3); c.1602+5226G>A (NM_001367248.1); short protein forms S1089N.
Identifiers: ClinVar variation 2059673 (VCV002059673.5), dbSNP rs1364050231, ClinGen allele CA412727455.
Genomic context (GRCh38, chrX:38,285,733, plus strand): 5'-GTAACTGACTTTTTTTGATATGTTTTATGTTTGCCATATTTCACAGATCCTTTTATTTTG[C>T]TCACTTTTTTGTACTCCTCTCCATCCTGCCTTTCATTCTCTTCTTCGCCTGTCTCCTGAT-3'
Protein context (NP_001030025.1, residues 1079-1099): RQDGEEYKKV[Ser1089Asn]KIKGSVKYGK

ClinVar aggregate classification (germline): Uncertain significance. Review status: criteria provided, multiple submitters, no conflicts (2 of 4 stars). 2 submissions from 2 submitters: Uncertain significance (2). Last evaluated 2024-10-15.

Conditions:
Primary ciliary dyskinesia. Also called: Ciliary dyskinesia. Identifiers: Orphanet 244, MedGen C0008780, MONDO:0016575, HP:0012265.

Submissions (2):

Labcorp Genetics (formerly Invitae), Labcorp
Classification: Uncertain significance for Primary ciliary dyskinesia. Last evaluated: 2024-10-15. Review status: criteria provided, single submitter. Criteria: Invitae Variant Classification Sherloc (09022015). Collection method: clinical testing. Allele origin: germline.
Comment: This sequence change replaces serine, which is neutral and polar, with asparagine, which is neutral and polar, at codon 1089 of the RPGR (ORF15) protein (p.Ser1089Asn). This variant is present in population databases (no rsID available, gnomAD 0.005%). This variant has not been reported in the literature in individuals affected with RPGR (ORF15)-related conditions. ClinVar contains an entry for this variant (Variation ID: 2059673). Invitae Evidence Modeling of protein sequence and biophysical properties (such as structural, functional, and spatial information, amino acid conservation, physicochemical variation, residue mobility, and thermodynamic stability) indicates that this missense variant is not expected to disrupt RPGR (ORF15) protein function with a negative predictive value of 95%. In summary, the available evidence is currently insufficient to determine the role of this variant in disease. Therefore, it has been classified as a Variant of Uncertain Significance.

Blueprint Genetics
Classification: Uncertain significance. Last evaluated: 2023-04-10. Review status: criteria provided, single submitter. Criteria: ACMG Guidelines, 2015. Collection method: clinical testing. Allele origin: germline.